The following is an entry in ClinVar:

ClinVar aggregate classification (germline): Uncertain significance (1 of 4 stars; one submission).

Submission:

GeneDx
Classification: Uncertain significance. Last evaluated: 2019-08-29. Review status: criteria provided, single submitter. Criteria: GeneDx Variant Classification Process June 2021. Collection method: clinical testing. Allele origin: germline. Affected: yes.
Comment: Not observed in large population cohorts (Lek et al., 2016); In silico analysis, which includes protein predictors and evolutionary conservation, supports a deleterious effect; Has not been previously published as pathogenic or benign to our knowledge; De novo variant with confirmed parentage

NM_020928.2(ZSWIM6):c.2510T>G (p.Leu837Arg)

Gene: ZSWIM6 (zinc finger SWIM-type containing 6; plus strand). Cytogenetic location: 5q12.1.
Variant type: single nucleotide variant.
Coding change: c.2510T>G on transcript NM_020928.2 (MANE Select); coding-DNA position 2510, T replaced by G.
Protein change: p.Leu837Arg; replaces leucine 837 with arginine.
Molecular consequence: missense variant.
Genome position (GRCh38, 1-based): chr5:61,538,942, T>G. VCF-style: chr5-61538942-T-G. GRCh37 (hg19) VCF-style: chr5-60834769-T-G.
Other names: short protein forms L837R.
Identifiers: ClinVar variation 1308123 (VCV001308123.2), dbSNP rs2112288953, ClinGen allele CA359945509.
Genomic context (GRCh38, chr5:61,538,942, plus strand): 5'-TTCCCAACCGCTACCCTCGCTGGTTCACTCTAAGCCACATTGAGTCCCAGCAGTGTGAGC[T>G]GGCATCCACCATGCTAACTGCAGCCAAAGGTACTGTACTGTCCTGAGGCCTCATAATTGT-3'
Protein context (NP_065979.1, residues 827-847): LSHIESQQCE[Leu837Arg]ASTMLTAAKG